The following is an entry in ClinVar:

NM_000264.5(PTCH1):c.2328C>A (p.Asp776Glu)

Genes: PTCH1 (patched 1; minus strand), LOC100507346 (uncharacterized LOC100507346; plus strand). Cytogenetic location: 9q22.32.
Variant type: single nucleotide variant.
Coding change: c.2328C>A on transcript NM_000264.5 (MANE Select); coding-DNA position 2328, C replaced by A.
Protein change: p.Asp776Glu; replaces aspartic acid 776 with glutamic acid.
Molecular consequence: missense variant. On other transcripts: non-coding transcript variant (1).
Genome position (GRCh38, 1-based): chr9:95,467,348, G>T on the plus strand (C>A on the coding strand, the complement: PTCH1 is on the minus strand). VCF-style: chr9-95467348-G-T. GRCh37 (hg19) VCF-style: chr9-98229630-G-T.
Other names: c.2130C>A, p.Asp710Glu (NM_001083602.3); c.2325C>A, p.Asp775Glu (NM_001083603.3); c.1875C>A, p.Asp625Glu (NM_001083604.3, NM_001083605.3, NM_001083606.3 and 1 more transcripts); c.2172C>A, p.Asp724Glu (NM_001354918.2); short protein forms D710E, D776E, D625E, D775E, D724E.
Identifiers: ClinVar variation 524541 (VCV000524541.16), dbSNP rs923429610, ClinGen allele CA196585882.
Genomic context (GRCh38, chr9:95,467,348, plus strand): 5'-TTTGAATTGTGCAGCAATAAAGTCATATTCTCTGGTTTCCCGAGGTACAATGTCCGTAAG[G>T]TCCAGCCCGTCTCTCACTCGGGTGGTGCCATAAAGGCTGACCCCCAGCAAGCCCAGAAAA-3'
Protein context (NP_000255.2, residues 766-786): YGTTRVRDGL[Asp776Glu]LTDIVPRETR

ClinVar aggregate classification (germline): Conflicting classifications of pathogenicity. Review status: criteria provided, conflicting classifications (1 of 4 stars). 3 submissions from 3 submitters: Uncertain significance (2); Likely benign (1). Last evaluated 2026-01-27.

Conditions:
Hereditary cancer-predisposing syndrome. Also called: Neoplastic Syndromes, Hereditary; Tumor predisposition; Hereditary Cancer Syndrome; Hereditary neoplastic syndrome. Identifiers: Orphanet 140162, MedGen C0027672, MeSH D009386, MONDO:0015356.
Basal cell carcinoma, susceptibility to, 1. Also called: BCC1. Identifiers: MedGen C2751544, MONDO:0011556, OMIM 605462.
Gorlin syndrome. Also called: Nevoid Basal Cell Carcinoma Syndrome; Basal cell nevus syndrome. Identifiers: Orphanet 377, MedGen C0004779, MONDO:0007187.

Allele frequency attached by ClinVar (database versions not stated): gnomAD 0.00001; TOPMed 0.00003.

Submissions (3):

Labcorp Genetics (formerly Invitae), Labcorp
Classification: Uncertain significance for Gorlin syndrome. Last evaluated: 2026-01-27. Review status: criteria provided, single submitter. Criteria: Invitae Variant Classification Sherloc (09022015). Collection method: clinical testing. Allele origin: germline.
Comment: This sequence change replaces aspartic acid, which is acidic and polar, with glutamic acid, which is acidic and polar, at codon 776 of the PTCH1 protein (p.Asp776Glu). This variant is present in population databases (no rsID available, gnomAD 0.002%). This variant has not been reported in the literature in individuals affected with PTCH1-related conditions. ClinVar contains an entry for this variant (Variation ID: 524541). Invitae Evidence Modeling of protein sequence and biophysical properties (such as structural, functional, and spatial information, amino acid conservation, physicochemical variation, residue mobility, and thermodynamic stability) indicates that this missense variant is not expected to disrupt PTCH1 protein function with a negative predictive value of 95%. In summary, the available evidence is currently insufficient to determine the role of this variant in disease. Therefore, it has been classified as a Variant of Uncertain Significance.

Baylor Genetics
Classification: Uncertain significance for Basal cell carcinoma, susceptibility to, 1. Last evaluated: 2023-08-09. Review status: criteria provided, single submitter. Criteria: ACMG Guidelines, 2015. Collection method: clinical testing. Allele origin: unknown.

Ambry Genetics
Classification: Likely benign for Hereditary cancer-predisposing syndrome. Last evaluated: 2023-06-05. Review status: criteria provided, single submitter. Criteria: Ambry Variant Classification Scheme 2023. Collection method: clinical testing. Allele origin: germline.